The following is an entry in ClinVar:

NM_177438.3(DICER1):c.1691C>G (p.Ala564Gly)

Gene: DICER1 (dicer 1, ribonuclease III; minus strand). Cytogenetic location: 14q32.13.
Variant type: single nucleotide variant.
Coding change: c.1691C>G on transcript NM_177438.3 (MANE Select); coding-DNA position 1691, C replaced by G.
Protein change: p.Ala564Gly; replaces alanine 564 with glycine.
Molecular consequence: missense variant.
Genome position (GRCh38, 1-based): chr14:95,116,514, G>C on the plus strand (C>G on the coding strand, the complement: DICER1 is on the minus strand). VCF-style: chr14-95116514-G-C. GRCh37 (hg19) VCF-style: chr14-95582851-G-C.
Other names: c.1691C>G, p.Ala564Gly (NM_001195573.1, NM_001271282.3, NM_001291628.2 and 1 more transcripts); short protein forms A564G.
Identifiers: ClinVar variation 543606 (VCV000543606.15), dbSNP rs201298288, ClinGen allele CA390884785.

ClinVar aggregate classification (germline): Uncertain significance. Review status: criteria provided, multiple submitters, no conflicts (2 of 4 stars). 2 submissions from 2 submitters: Uncertain significance (2). Last evaluated 2025-06-26.

Conditions:
DICER1-related tumor predisposition. Also called: DICER1-related pleuropulmonary blastoma cancer predisposition syndrome; DICER1 syndrome. Identifiers: Orphanet 284343, MedGen C3839822, MONDO:0100216.
Hereditary cancer-predisposing syndrome. Also called: Neoplastic Syndromes, Hereditary; Tumor predisposition; Hereditary Cancer Syndrome; Hereditary neoplastic syndrome. Identifiers: Orphanet 140162, MedGen C0027672, MeSH D009386, MONDO:0015356.

Submissions (2):

Ambry Genetics
Classification: Uncertain significance for Hereditary cancer-predisposing syndrome. Last evaluated: 2025-06-26. Review status: criteria provided, single submitter. Criteria: Ambry Variant Classification Scheme 2023. Collection method: clinical testing. Allele origin: germline.
Comment: The p.A564G variant (also known as c.1691C>G), located in coding exon 9 of the DICER1 gene, results from a C to G substitution at nucleotide position 1691. The alanine at codon 564 is replaced by glycine, an amino acid with similar properties. This amino acid position is highly conserved in available vertebrate species. In addition, the in silico prediction for this alteration is inconclusive. Based on the available evidence, the clinical significance of this variant remains unclear.

Labcorp Genetics (formerly Invitae), Labcorp
Classification: Uncertain significance for DICER1-related tumor predisposition. Last evaluated: 2025-03-19. Review status: criteria provided, single submitter. Criteria: Invitae Variant Classification Sherloc (09022015). Collection method: clinical testing. Allele origin: germline.
Comment: This sequence change replaces alanine, which is neutral and non-polar, with glycine, which is neutral and non-polar, at codon 564 of the DICER1 protein (p.Ala564Gly). This variant is not present in population databases (gnomAD no frequency). This variant has not been reported in the literature in individuals affected with DICER1-related conditions. ClinVar contains an entry for this variant (Variation ID: 543606). Invitae Evidence Modeling of protein sequence and biophysical properties (such as structural, functional, and spatial information, amino acid conservation, physicochemical variation, residue mobility, and thermodynamic stability) indicates that this missense variant is not expected to disrupt DICER1 protein function with a negative predictive value of 95%. In summary, the available evidence is currently insufficient to determine the role of this variant in disease. Therefore, it has been classified as a Variant of Uncertain Significance.